The following is an entry in ClinVar:

ClinVar aggregate classification (germline): Uncertain significance. Review status: criteria provided, multiple submitters, no conflicts (2 of 4 stars). 2 submissions from 2 submitters: Uncertain significance (2). Last evaluated 2026-04-09.

Conditions:
noonan.
Cardiovascular phenotype. Identifiers: MedGen CN230736.

Submissions (2):

Dasa
Classification: Uncertain significance for noonan. Last evaluated: 2026-04-09. Review status: criteria provided, single submitter. Criteria: DASA Assertion Criteria. Collection method: clinical testing. Allele origin: germline.
Comment: NM_002834.5(PTPN11):c.754G>A (p.Glu252Lys) is a missense variant that results in the substitution of glutamic acid with lysine. This variant is absent from population databases. Computational prediction algorithms are consistent with a deleterious effect. The currently available literature and clinical evidence are not sufficient to establish a definitive association between this variant and the reported condition. Therefore, this variant is classified as a variant of uncertain significance.

Ambry Genetics
Classification: Uncertain significance for Cardiovascular phenotype. Last evaluated: 2024-04-28. Review status: criteria provided, single submitter. Criteria: Ambry Variant Classification Scheme 2023. Collection method: clinical testing. Allele origin: germline.
Comment: The p.E252K variant (also known as c.754G>A), located in coding exon 6 of the PTPN11 gene, results from a G to A substitution at nucleotide position 754. The glutamic acid at codon 252 is replaced by lysine, an amino acid with similar properties. This amino acid position is conserved. In addition, this alteration is predicted to be deleterious by in silico analysis. Based on the available evidence, the clinical significance of this variant remains unclear.

NM_002834.5(PTPN11):c.754G>A (p.Glu252Lys)

Gene: PTPN11 (protein tyrosine phosphatase non-receptor type 11; plus strand). Cytogenetic location: 12q24.13.
Variant type: single nucleotide variant.
Coding change: c.754G>A on transcript NM_002834.5 (MANE Select); coding-DNA position 754, G replaced by A.
Protein change: p.Glu252Lys; replaces glutamic acid 252 with lysine.
Molecular consequence: missense variant.
Genome position (GRCh38, 1-based): chr12:112,456,061, G>A. VCF-style: chr12-112456061-G-A. GRCh37 (hg19) VCF-style: chr12-112893865-G-A.
Other names: c.754G>A, p.Glu252Lys (NM_001330437.2, NM_080601.3); c.751G>A, p.Glu251Lys (NM_001374625.1); short protein forms E252K, E251K.
Identifiers: ClinVar variation 3311381 (VCV003311381.3).